The following is an entry in ClinVar:

ClinVar aggregate classification (germline): Likely benign. Review status: criteria provided, multiple submitters, no conflicts (2 of 4 stars). 3 submissions from 3 submitters: Likely benign (2). 1 of the submissions does not count toward it. Last evaluated 2024-06-13.

Conditions:
Pulmonary fibrosis and/or bone marrow failure, Telomere-related, 3. Also called: PULMONARY FIBROSIS AND/OR BONE MARROW FAILURE SYNDROME, TELOMERE-RELATED, 3. Identifiers: Orphanet 2032, MedGen C4225346, MONDO:0014613, OMIM 616373.
Dyskeratosis congenita, autosomal recessive 5 (DKCB5). Identifiers: MedGen C3554656, MONDO:0014076, OMIM 615190.
RTEL1-related disorder. Also called: RTEL1-related condition; RTEL1-related disorders.

Allele frequency attached by ClinVar (database versions not stated): TOPMed below 0.00001; gnomAD 0.00001; ExAC 0.00003.
gnomAD v4.1: 15 of 1,611,732 alleles (0.00093%); highest among the groups gnomAD compares: Non-Finnish European, 0.0012%; no homozygotes.

Submissions (3):

Labcorp Genetics (formerly Invitae), Labcorp
Classification: Likely benign for Dyskeratosis congenita, autosomal recessive 5; Pulmonary fibrosis and/or bone marrow failure, Telomere-related, 3. Last evaluated: 2024-06-13. Review status: criteria provided, single submitter. Criteria: Invitae Variant Classification Sherloc (09022015). Collection method: clinical testing. Allele origin: germline.

Blueprint Genetics
Classification: Likely benign. Last evaluated: 2023-11-23. Review status: criteria provided, single submitter. Criteria: ACMG Guidelines, 2015. Collection method: clinical testing. Allele origin: germline.

PreventionGenetics, part of Exact Sciences
Classification: Uncertain significance for RTEL1-related condition. Last evaluated: 2024-01-29. Review status: no assertion criteria provided. Collection method: clinical testing. Allele origin: germline. Not counted in ClinVar's aggregate classification.
Comment: The RTEL1 c.3415+8G>C variant is predicted to interfere with splicing. This variant is not predicted to change the strength of the canonical splice site but may result in the production of a new cryptic splice donor site according to an in silico splicing algorithm (SpliceAI, Jaganathan K, et al. 2019. PubMed ID: 30661751). To our knowledge, this variant has not been reported in the literature. This variant is reported in 0.0037% of alleles in individuals of European (Non-Finnish) descent in gnomAD. At this time, the clinical significance of this variant is uncertain due to the absence of conclusive functional and genetic evidence.

NM_001283009.2(RTEL1):c.3343+8G>C

Genes: RTEL1 (regulator of telomere elongation helicase 1; plus strand), RTEL1-TNFRSF6B (RTEL1-TNFRSF6B readthrough (NMD candidate); plus strand). Cytogenetic location: 20q13.33.
Variant type: single nucleotide variant.
Coding change: c.3343+8G>C on transcript NM_001283009.2 (MANE Select); 8 bases into the intron after coding-DNA position 3343, G replaced by C.
Molecular consequence: intron variant.
Genome position (GRCh38, 1-based): chr20:63,694,982, G>C. VCF-style: chr20-63694982-G-C. GRCh37 (hg19) VCF-style: chr20-62326335-G-C.
Other names: c.2674+8G>C (NM_001283010.1); c.3415+8G>C (NM_032957.5, NM_032957.4); c.3343+8G>C (NM_016434.4).
Identifiers: ClinVar variation 1085220 (VCV001085220.12), dbSNP rs768036242, ClinGen allele CA9965961.
Genomic context (GRCh38, chr20:63,694,982, plus strand): 5'-TGTGTTGGCCGCCCTGACCACTGCAAAGCCAGAGGACTTCCCCCTGCTGCACAGCAAGTG[G>C]CCCTGGCGTGGGGAACAGCCGGTGGGGTGGGGGGCAGGGGACAAAATGGGGGCTGTGCCG-3'